The following is an entry in ClinVar:

ClinVar aggregate classification (germline): Benign. Review status: criteria provided, multiple submitters, no conflicts (2 of 4 stars). 23 submissions from 16 submitters: Benign (20). 3 of the submissions do not count toward it. Last evaluated 2026-02-04.

Conditions:
Dilated cardiomyopathy 1G (CMD1G). Identifiers: Orphanet 154, MedGen C1858763, MONDO:0011400, OMIM 604145.
Autosomal recessive limb-girdle muscular dystrophy type 2J (LGMDR10). Also called: MUSCULAR DYSTROPHY, LIMB-GIRDLE, AUTOSOMAL RECESSIVE 10; Limb-girdle muscular dystrophy, type 2J. Identifiers: Orphanet 140922, MedGen C1837342, MONDO:0012127, OMIM 608807.
Cardiovascular phenotype. Identifiers: MedGen CN230736.
Early-onset myopathy with fatal cardiomyopathy (CMYO5). Also called: CONGENITAL MYOPATHY 5 WITH CARDIOMYOPATHY; Salih Myopathy. Identifiers: Orphanet 289377, MedGen C2673677, MONDO:0012714, OMIM 611705. Disease mechanism: loss of function.
Myopathy, myofibrillar, 9, with early respiratory failure (MFM9). Also called: Myopathy, distal, with early respiratory failure, autosomal dominant; Hereditary myopathy with early respiratory failure; MYOPATHY, PROXIMAL, WITH EARLY RESPIRATORY MUSCLE INVOLVEMENT; EDSTROM MYOPATHY. Identifiers: Orphanet 178464, Orphanet 34521, MedGen C1863599, MONDO:0011362, OMIM 603689.
Tibial muscular dystrophy (TMD). Also called: Udd Distal Myopathy – Tibial Muscular Dystrophy; Tibial muscular dystrophy, tardive; UDD MYOPATHY. Identifiers: Orphanet 609, MedGen C1838244, MONDO:0010870, OMIM 600334.

Allele frequency attached by ClinVar (database versions not stated): gnomAD exomes 0.03037 and 0.04583; ExAC 0.04598; TOPMed 0.06338; ESP Exome Variant Server 0.05047; gnomAD 0.05786 and 0.05855; 1000 Genomes Project 30x 0.09151; 1000 Genomes Project 0.09265.
gnomAD v4.1: 53,843 of 1,613,528 alleles (3.3%); highest among the groups gnomAD compares: East Asian, 18%; 1,989 homozygotes.

Submissions (23):

Labcorp Genetics (formerly Invitae), Labcorp
Classification: Benign for Dilated cardiomyopathy 1G; Autosomal recessive limb-girdle muscular dystrophy type 2J. Last evaluated: 2026-02-04. Review status: criteria provided, single submitter. Criteria: Invitae Variant Classification Sherloc (09022015). Collection method: clinical testing. Allele origin: germline.

Molecular Diagnostic Laboratory for Inherited Cardiovascular Disease, Montreal Heart Institute
Classification: Benign. Last evaluated: 2025-04-09. Review status: criteria provided, single submitter. Criteria: ACMG Guidelines, 2015. Collection method: clinical testing. Allele origin: germline. Affected: no.

Genome-Nilou Lab
Classification: Benign for Autosomal recessive limb-girdle muscular dystrophy type 2J. Last evaluated: 2021-09-10. Review status: criteria provided, single submitter. Criteria: ACMG Guidelines, 2015. Collection method: clinical testing. Allele origin: germline. Affected: no.

Genome-Nilou Lab
Classification: Benign for Myopathy, myofibrillar, 9, with early respiratory failure. Last evaluated: 2021-09-10. Review status: criteria provided, single submitter. Criteria: ACMG Guidelines, 2015. Collection method: clinical testing. Allele origin: germline. Affected: no.

Genome-Nilou Lab
Classification: Benign for Early-onset myopathy with fatal cardiomyopathy. Last evaluated: 2021-09-10. Review status: criteria provided, single submitter. Criteria: ACMG Guidelines, 2015. Collection method: clinical testing. Allele origin: germline. Affected: no.

Genome-Nilou Lab
Classification: Benign for Tibial muscular dystrophy. Last evaluated: 2021-09-10. Review status: criteria provided, single submitter. Criteria: ACMG Guidelines, 2015. Collection method: clinical testing. Allele origin: germline. Affected: no.

Women's Health and Genetics/Laboratory Corporation of America, LabCorp
Classification: Benign. Last evaluated: 2020-01-06. Review status: criteria provided, single submitter. Criteria: LabCorp Variant Classification Summary - May 2015. Collection method: clinical testing. Allele origin: germline.

Illumina Laboratory Services, Illumina
Classification: Benign for Myopathy, myofibrillar, 9, with early respiratory failure. Last evaluated: 2018-01-12. Review status: criteria provided, single submitter. Criteria: ICSL Variant Classification Criteria 13 December 2019. Collection method: clinical testing. Allele origin: germline.
Comment: This variant was observed in the ICSL laboratory as part of a predisposition screen in an ostensibly healthy population. It had not been previously curated by ICSL or reported in the Human Gene Mutation Database (HGMD: prior to June 1st, 2018), and was therefore a candidate for classification through an automated scoring system. Utilizing variant allele frequency, disease prevalence and penetrance estimates, and inheritance mode, an automated score was calculated to assess if this variant is too frequent to cause the disease. Based on the score and internal cut-off values, a variant classified as benign is not then subjected to further curation. The score for this variant resulted in a classification of benign for this disease.

Illumina Laboratory Services, Illumina
Classification: Benign for Autosomal recessive limb-girdle muscular dystrophy type 2J. Last evaluated: 2018-01-12. Review status: criteria provided, single submitter. Criteria: ICSL Variant Classification Criteria 13 December 2019. Collection method: clinical testing. Allele origin: germline.
Comment: the same text as in the submission from Illumina Laboratory Services, Illumina above.

Illumina Laboratory Services, Illumina
Classification: Benign for Early-onset myopathy with fatal cardiomyopathy. Last evaluated: 2018-01-12. Review status: criteria provided, single submitter. Criteria: ICSL Variant Classification Criteria 13 December 2019. Collection method: clinical testing. Allele origin: germline.
Comment: the same text as in the submission from Illumina Laboratory Services, Illumina above.

Illumina Laboratory Services, Illumina
Classification: Benign for Dilated cardiomyopathy 1G. Last evaluated: 2018-01-12. Review status: criteria provided, single submitter. Criteria: ICSL Variant Classification Criteria 13 December 2019. Collection method: clinical testing. Allele origin: germline.
Comment: the same text as in the submission from Illumina Laboratory Services, Illumina above.

Illumina Laboratory Services, Illumina
Classification: Benign for Tibial muscular dystrophy. Last evaluated: 2018-01-12. Review status: criteria provided, single submitter. Criteria: ICSL Variant Classification Criteria 13 December 2019. Collection method: clinical testing. Allele origin: germline.
Comment: the same text as in the submission from Illumina Laboratory Services, Illumina above.

Mayo Clinic Laboratories, Mayo Clinic
Classification: Benign. Last evaluated: 2017-10-04. Review status: criteria provided, single submitter. Criteria: ACMG Guidelines, 2015. Collection method: clinical testing. Allele origin: germline. Observed: 199 variant alleles.

Genetic Services Laboratory, University of Chicago
Classification: Benign for AllHighlyPenetrant. Last evaluated: 2013-08-15. Review status: criteria provided, single submitter. Criteria: ACMG Guidelines, 2007. Collection method: clinical testing. Allele origin: germline.

Eurofins Ntd Llc (ga)
Classification: Benign. Last evaluated: 2013-07-24. Review status: criteria provided, single submitter. Criteria: EGL Classification Definitions 2015. Collection method: clinical testing. Allele origin: germline. Observed: 1 variant allele, 1 heterozygote.

Ambry Genetics
Classification: Benign for Cardiovascular phenotype. Last evaluated: 2013-01-09. Review status: criteria provided, single submitter. Criteria: Ambry Autosomal Dominant and X-Linked criteria (10/2015). Collection method: clinical testing. Allele origin: germline. Observed: 1 variant allele.

GeneDx
Classification: Benign. Last evaluated: 2012-10-31. Review status: criteria provided, single submitter. Criteria: GeneDx Variant Classification (06012015). Collection method: clinical testing. Allele origin: germline. Affected: yes.
Comment: This variant is considered likely benign or benign based on one or more of the following criteria: it is a conservative change, it occurs at a poorly conserved position in the protein, it is predicted to be benign by multiple in silico algorithms, and/or has population frequency not consistent with disease.

Laboratory for Molecular Medicine, Mass General Brigham Personalized Medicine
Classification: Benign. Last evaluated: 2012-04-17. Review status: criteria provided, single submitter. Criteria: LMM Criteria. Collection method: clinical testing. Allele origin: germline. Observed: 137 variant alleles.

Breakthrough Genomics
Classification: Benign. Review status: criteria provided, single submitter. Criteria: ACMG Guidelines, 2015. Collection method: not provided. Allele origin: germline. Inheritance: Autosomal recessive inheritance. Affected: yes.

PreventionGenetics, part of Exact Sciences
Classification: Benign. Review status: criteria provided, single submitter. Criteria: ACMG Guidelines, 2015. Collection method: clinical testing. Allele origin: germline.

Clinical Genetics DNA and cytogenetics Diagnostics Lab, Erasmus MC, Erasmus Medical Center
Classification: Benign. Review status: no assertion criteria provided. Collection method: clinical testing. Allele origin: germline. Affected: yes. Study: VKGL Data-share Consensus. Not counted in ClinVar's aggregate classification.

Clinical Genetics, Academic Medical Center
Classification: Benign. Review status: no assertion criteria provided. Collection method: clinical testing. Allele origin: germline. Affected: yes. Study: VKGL Data-share Consensus. Not counted in ClinVar's aggregate classification.

Laboratory of Diagnostic Genome Analysis, Leiden University Medical Center (LUMC)
Classification: Benign. Review status: no assertion criteria provided. Collection method: clinical testing. Allele origin: germline. Affected: yes. Study: VKGL Data-share Consensus. Not counted in ClinVar's aggregate classification.

NM_001267550.2(TTN):c.79062T>A (p.Gly26354=)

Genes: TTN (titin; minus strand), TTN-AS1 (TTN antisense RNA 1; plus strand). Cytogenetic location: 2q31.2.
Variant type: single nucleotide variant.
Coding change: c.79062T>A on transcript NM_001267550.2 (MANE Select); coding-DNA position 79062, T replaced by A.
Protein change: p.Gly26354=; no amino-acid change (glycine 26354 retained).
Molecular consequence: synonymous variant.
Genome position (GRCh38, 1-based): chr2:178,567,070, A>T on the plus strand (T>A on the coding strand, the complement: TTN is on the minus strand). VCF-style: chr2-178567070-A-T. GRCh37 (hg19) VCF-style: chr2-179431797-A-T.
Other names: p.G23786G:GGT>GGA; p.Gly23786=; c.74139T>A, p.Gly24713= (NM_001256850.1); c.51867T>A, p.Gly17289= (NM_003319.4); c.71358T>A, p.Gly23786= (NM_133378.4); c.52242T>A, p.Gly17414= (NM_133432.3); c.52443T>A, p.Gly17481= (NM_133437.4).
Identifiers: ClinVar variation 47370 (VCV000047370.37), dbSNP rs3731744, ClinGen allele CA283813.